The following is an entry in ClinVar:

NM_020693.4(DSCAML1):c.1016C>T (p.Thr339Met)

Gene: DSCAML1 (DS cell adhesion molecule like 1; minus strand). Cytogenetic location: 11q23.3.
Variant type: single nucleotide variant.
Coding change: c.1016C>T on transcript NM_020693.4 (MANE Select); coding-DNA position 1016, C replaced by T.
Protein change: p.Thr339Met; replaces threonine 339 with methionine.
Molecular consequence: missense variant.
Genome position (GRCh38, 1-based): chr11:117,521,327, G>A on the plus strand (C>T on the coding strand, the complement: DSCAML1 is on the minus strand). VCF-style: chr11-117521327-G-A. GRCh37 (hg19) VCF-style: chr11-117392042-G-A.
Other names: c.1016C>T, p.Thr339Met (NM_001367904.1); c.608C>T, p.Thr203Met (NM_001367905.1); short protein forms T203M, T339M.
Identifiers: ClinVar variation 1514079 (VCV001514079.6), dbSNP rs141118196, ClinGen allele CA6297387.

ClinVar aggregate classification (germline): Uncertain significance (1 of 4 stars; one submission).

Allele frequency attached by ClinVar (database versions not stated): gnomAD exomes 0.00002 and 0.00006; ExAC 0.00003; gnomAD 0.00003; TOPMed 0.00003; ESP Exome Variant Server 0.00008.
gnomAD v4.1: 87 of 1,614,062 alleles (0.0054%); highest among the groups gnomAD compares: Non-Finnish European, 0.0066%; no homozygotes.

Submission:

Labcorp Genetics (formerly Invitae), Labcorp
Classification: Uncertain significance. Last evaluated: 2026-01-06. Review status: criteria provided, single submitter. Criteria: Invitae Variant Classification Sherloc (09022015). Collection method: clinical testing. Allele origin: germline.
Comment: This sequence change replaces threonine, which is neutral and polar, with methionine, which is neutral and non-polar, at codon 399 of the DSCAML1 protein (p.Thr399Met). This variant is present in population databases (rs141118196, gnomAD 0.01%). This variant has not been reported in the literature in individuals affected with DSCAML1-related conditions. ClinVar contains an entry for this variant (Variation ID: 1514079). An algorithm developed to predict the effect of missense changes on protein structure and function outputs the following: PolyPhen-2: "Benign". The methionine amino acid residue is found in multiple mammalian species, which suggests that this missense change does not adversely affect protein function. In summary, the available evidence is currently insufficient to determine the role of this variant in disease. Therefore, it has been classified as a Variant of Uncertain Significance.